The following is an entry in ClinVar:

NM_003482.4(KMT2D):c.12640T>G (p.Leu4214Val)

Gene: KMT2D (lysine methyltransferase 2D; minus strand). Cytogenetic location: 12q13.12.
Variant type: single nucleotide variant.
Coding change: c.12640T>G on transcript NM_003482.4 (MANE Select); coding-DNA position 12640, T replaced by G.
Protein change: p.Leu4214Val; replaces leucine 4214 with valine.
Molecular consequence: missense variant.
Genome position (GRCh38, 1-based): chr12:49,032,065, A>C on the plus strand (T>G on the coding strand, the complement: KMT2D is on the minus strand). VCF-style: chr12-49032065-A-C. GRCh37 (hg19) VCF-style: chr12-49425848-A-C.
Other names: short protein forms L4214V.
Identifiers: ClinVar variation 2759265 (VCV002759265.3), dbSNP rs1230287454, ClinGen allele CA384710243.

ClinVar aggregate classification (germline): Uncertain significance (1 of 4 stars; one submission).

Conditions:
Kabuki syndrome. Also called: Kabuki make-up syndrome; NIIKAWA-KUROKI SYNDROME. Identifiers: Orphanet 2322, MedGen C0796004, MONDO:0016512.

Allele frequency attached by ClinVar (database versions not stated): TOPMed 0.00001.

Submission:

Labcorp Genetics (formerly Invitae), Labcorp
Classification: Uncertain significance for Kabuki syndrome. Last evaluated: 2023-10-02. Review status: criteria provided, single submitter. Criteria: Invitae Variant Classification Sherloc (09022015). Collection method: clinical testing. Allele origin: germline.
Comment: This sequence change replaces leucine, which is neutral and non-polar, with valine, which is neutral and non-polar, at codon 4214 of the KMT2D protein (p.Leu4214Val). This variant is not present in population databases (gnomAD no frequency). This variant has not been reported in the literature in individuals affected with KMT2D-related conditions. Advanced modeling of protein sequence and biophysical properties (such as structural, functional, and spatial information, amino acid conservation, physicochemical variation, residue mobility, and thermodynamic stability) performed at Invitae indicates that this missense variant is not expected to disrupt KMT2D protein function. In summary, the available evidence is currently insufficient to determine the role of this variant in disease. Therefore, it has been classified as a Variant of Uncertain Significance.